The following is an entry in ClinVar:

NM_001079668.3(NKX2-1):c.606G>C (p.Gln202His)

Genes: NKX2-1 (NK2 homeobox 1; minus strand), SFTA3 (surfactant associated 3; minus strand). Cytogenetic location: 14q13.3.
Variant type: single nucleotide variant.
Coding change: c.606G>C on transcript NM_001079668.3 (MANE Select); coding-DNA position 606, G replaced by C.
Protein change: p.Gln202His; replaces glutamine 202 with histidine.
Molecular consequence: missense variant.
Genome position (GRCh38, 1-based): chr14:36,517,878, C>G on the plus strand (G>C on the coding strand, the complement: NKX2-1 is on the minus strand). VCF-style: chr14-36517878-C-G. GRCh37 (hg19) VCF-style: chr14-36987083-C-G.
Other names: c.606G>C (NM_001079668.2); c.516G>C, p.Gln172His (NM_003317.4); short protein forms Q202H, Q172H.
Identifiers: ClinVar variation 1483467 (VCV001483467.10), dbSNP rs762575015, ClinGen allele CA389459447.

ClinVar aggregate classification (germline): Conflicting classifications of pathogenicity. Review status: criteria provided, conflicting classifications (1 of 4 stars). 2 submissions from 2 submitters: Likely pathogenic (1); Uncertain significance (1). Last evaluated 2024-02-24.

Submissions (2):

Labcorp Genetics (formerly Invitae), Labcorp
Classification: Uncertain significance. Last evaluated: 2024-02-24. Review status: criteria provided, single submitter. Criteria: Invitae Variant Classification Sherloc (09022015). Collection method: clinical testing. Allele origin: germline.
Comment: This sequence change replaces glutamine, which is neutral and polar, with histidine, which is basic and polar, at codon 202 of the NKX2-1 protein (p.Gln202His). This variant is not present in population databases (gnomAD no frequency). This missense change has been observed in individual(s) with choreoathetosis and congenital hypothyroidism (PMID: 26723978). This variant is also known as p.Gln172His. ClinVar contains an entry for this variant (Variation ID: 1483467). An algorithm developed to predict the effect of missense changes on protein structure and function (PolyPhen-2) suggests that this variant is likely to be disruptive. Experimental studies are conflicting or provide insufficient evidence to determine the effect of this variant on NKX2-1 function (PMID: 26723978). This variant disrupts the p.Gln202 amino acid residue in NKX2-1. Other variant(s) that disrupt this residue have been observed in individuals with NKX2-1-related conditions (PMID: 26723978; Invitae), which suggests that this may be a clinically significant amino acid residue. In summary, the available evidence is currently insufficient to determine the role of this variant in disease. Therefore, it has been classified as a Variant of Uncertain Significance.

GeneDx
Classification: Likely pathogenic. Last evaluated: 2023-12-27. Review status: criteria provided, single submitter. Criteria: GeneDx Variant Classification Process June 2021. Collection method: clinical testing. Allele origin: germline.
Comment: Not observed at significant frequency in large population cohorts (gnomAD); In silico analysis supports that this missense variant has a deleterious effect on protein structure/function; Has not been previously published as pathogenic or benign to our knowledge

Literature cited by the submitters: PubMed 26723978 (cited by Labcorp Genetics (formerly Invitae), Labcorp).